The following is an entry in ClinVar:

ClinVar aggregate classification (germline): Uncertain significance (1 of 4 stars; one submission).

Conditions:
Immunodeficiency 35 (IMD35). Also called: HIES WITH ATYPICAL MYCOBACTERIOSIS, AUTOSOMAL RECESSIVE; HYPER-IgE SYNDROME WITH ATYPICAL MYCOBACTERIOSIS, AUTOSOMAL RECESSIVE; Susceptibility to infection due to TYK2 deficiency; TYK2 DEFICIENCY. Identifiers: Orphanet 331226, MedGen C1969086, MONDO:0012682, OMIM 611521.

Submission:

Labcorp Genetics (formerly Invitae), Labcorp
Classification: Uncertain significance for Immunodeficiency 35. Last evaluated: 2022-08-19. Review status: criteria provided, single submitter. Criteria: Invitae Variant Classification Sherloc (09022015). Collection method: clinical testing. Allele origin: germline.
Comment: In summary, the available evidence is currently insufficient to determine the role of this variant in disease. Therefore, it has been classified as a Variant of Uncertain Significance. Experimental studies and prediction algorithms are not available or were not evaluated, and the functional significance of this variant is currently unknown. This variant has not been reported in the literature in individuals affected with TYK2-related conditions. This variant, c.523_525del, results in the deletion of 1 amino acid(s) of the TYK2 protein (p.Glu175del), but otherwise preserves the integrity of the reading frame. This variant is not present in population databases (gnomAD no frequency).

NM_003331.5(TYK2):c.517GAG[2] (p.Glu175del)

Gene: TYK2 (tyrosine kinase 2; minus strand). Cytogenetic location: 19p13.2.
Variant type: Microsatellite.
Coding change: c.517GAG[2] on transcript NM_003331.5 (MANE Select); two copies in a row of the 3-base unit GAG starting at c.517; the reference has three copies in a row; one copy, 3 bases deleted.
Protein change: p.Glu175del; deletes glutamic acid 175.
Molecular consequence: inframe deletion.
Genome position (GRCh38, 1-based): chr19:10,366,521-10,366,523, CTC deleted on the plus strand (GAG on the coding strand, the reverse complement: TYK2 is on the minus strand); deleting any 3 consecutive bases within chr19:10,366,521-10,366,529 gives the same sequence; the position shown is the placement nearest the transcript's 3' end. VCF-style (leftmost placement, unchanged base first): chr19-10366520-TCTC-T. GRCh37 (hg19) VCF-style: chr19-10477196-TCTC-T.
Other names: c.517GAG[2], p.Glu175del (NM_001385197.1, NM_001385198.1, NM_001385199.1 and 8 more transcripts); short protein forms E175del.
Identifiers: ClinVar variation 1438616 (VCV001438616.6), dbSNP rs1297227067, ClinGen allele CA783151035.